The following is an entry in ClinVar:

NM_003888.4(ALDH1A2):c.117+7486G>A

Gene: ALDH1A2 (aldehyde dehydrogenase 1 family member A2; minus strand). Cytogenetic location: 15q21.3.
Variant type: single nucleotide variant.
Coding change: c.117+7486G>A on transcript NM_003888.4 (MANE Select); 7486 bases into the intron after coding-DNA position 117, G replaced by A.
Molecular consequence: intron variant. On other transcripts: synonymous variant (1).
Genome position (GRCh38, 1-based): chr15:58,058,048, C>T on the plus strand (G>A on the coding strand, the complement: ALDH1A2 is on the minus strand). VCF-style: chr15-58058048-C-T. GRCh37 (hg19) VCF-style: chr15-58350246-C-T.
Other names: c.18G>A, p.Glu6= (NM_001206897.2); c.117+7486G>A (NM_170696.3).
Identifiers: ClinVar variation 4874296 (VCV004874296.2).

ClinVar aggregate classification (germline): Likely benign (1 of 4 stars; one submission).

gnomAD v4.1: 54 of 1,533,816 alleles (0.0035%); highest among the groups gnomAD compares: Admixed American, 0.098%; no homozygotes.

Submission:

CeGaT Center for Human Genetics Tuebingen
Classification: Likely benign. Last evaluated: 2026-04-01. Review status: criteria provided, single submitter. Criteria: CeGaT Center For Human Genetics Tuebingen Variant Classification Criteria Version 2. Collection method: clinical testing. Allele origin: germline. Affected: yes. Observed: 1 variant allele.
Comment: ALDH1A2: BP4, BP7